The following is an entry in ClinVar:

NM_001194998.2(CEP152):c.3921C>T (p.Thr1307=)

Gene: CEP152 (centrosomal protein 152; minus strand). Cytogenetic location: 15q21.1.
Variant type: single nucleotide variant.
Coding change: c.3921C>T on transcript NM_001194998.2 (MANE Select); coding-DNA position 3921, C replaced by T.
Protein change: p.Thr1307=; no amino-acid change (threonine 1307 retained).
Molecular consequence: synonymous variant.
Genome position (GRCh38, 1-based): chr15:48,742,015, G>A on the plus strand (C>T on the coding strand, the complement: CEP152 is on the minus strand). VCF-style: chr15-48742015-G-A. GRCh37 (hg19) VCF-style: chr15-49034212-G-A.
Other names: c.3921C>T (NM_001194998.1); c.3753C>T, p.Thr1251= (NM_014985.4).
Identifiers: ClinVar variation 1593564 (VCV001593564.11), dbSNP rs777663214, ClinGen allele CA7548231.
Genomic context (GRCh38, chr15:48,742,015, plus strand): 5'-TCCATCATCCTGCAAAATCTGTTGGAGGCAAATCAAATAATATTTGCGCATCTTTCGGGC[G>A]GTTTCTTGACGTTCTCGCAGTACCTCTGCTTTTACCATTTCTGCAGCTCGTTCCTTACTC-3'
Protein context (NP_001181927.1, residues 1297-1317): KAEVLRERQE[Thr1307=]ARKMRKYYLI

ClinVar aggregate classification (germline): Likely benign. Review status: criteria provided, single submitter (1 of 4 stars). 2 submissions from 2 submitters: Likely benign (1). 1 of the submissions does not count toward it. Last evaluated 2024-03-18.

Conditions:
CEP152-related disorder. Also called: CEP152-related disorders; CEP152-related condition. Identifiers: MedGen CN239248.

Allele frequency attached by ClinVar (database versions not stated): gnomAD 0.00005 and 0.00007; ExAC 0.00007; gnomAD exomes 0.00008; TOPMed 0.00009.
gnomAD v4.1: 67 of 1,613,934 alleles (0.0042%); highest among the groups gnomAD compares: Middle Eastern, 0.082%; no homozygotes.

Submissions (2):

Labcorp Genetics (formerly Invitae), Labcorp
Classification: Likely benign. Last evaluated: 2024-03-18. Review status: criteria provided, single submitter. Criteria: Invitae Variant Classification Sherloc (09022015). Collection method: clinical testing. Allele origin: germline.

PreventionGenetics, part of Exact Sciences
Classification: Likely benign for CEP152-related condition. Last evaluated: 2019-06-27. Review status: no assertion criteria provided. Collection method: clinical testing. Allele origin: germline. Not counted in ClinVar's aggregate classification.
Comment: This variant is classified as likely benign based on ACMG/AMP sequence variant interpretation guidelines (Richards et al. 2015 PMID: 25741868, with internal and published modifications).